The following is an entry in ClinVar:

ClinVar aggregate classification (germline): Uncertain significance (1 of 4 stars; one submission).

Submission:

Labcorp Genetics (formerly Invitae), Labcorp
Classification: Uncertain significance. Last evaluated: 2024-05-16. Review status: criteria provided, single submitter. Criteria: Invitae Variant Classification Sherloc (09022015). Collection method: clinical testing. Allele origin: germline.
Comment: This sequence change replaces glutamic acid, which is acidic and polar, with glycine, which is neutral and non-polar, at codon 128 of the TNFRSF6B protein (p.Glu128Gly). This variant is not present in population databases (gnomAD no frequency). This variant has not been reported in the literature in individuals affected with TNFRSF6B-related conditions. An algorithm developed to predict the effect of missense changes on protein structure and function (PolyPhen-2) suggests that this variant is likely to be tolerated. In summary, the available evidence is currently insufficient to determine the role of this variant in disease. Therefore, it has been classified as a Variant of Uncertain Significance.

NM_003823.4(TNFRSF6B):c.383A>G (p.Glu128Gly)

Genes: RTEL1-TNFRSF6B (RTEL1-TNFRSF6B readthrough (NMD candidate); plus strand), TNFRSF6B (TNF receptor superfamily member 6b; plus strand). Cytogenetic location: 20q13.33.
Variant type: single nucleotide variant.
Coding change: c.383A>G on transcript NM_003823.4 (MANE Select); coding-DNA position 383, A replaced by G.
Protein change: p.Glu128Gly; replaces glutamic acid 128 with glycine.
Molecular consequence: missense variant. On other transcripts: non-coding transcript variant (1).
Genome position (GRCh38, 1-based): chr20:63,697,150, A>G. VCF-style: chr20-63697150-A-G. GRCh37 (hg19) VCF-style: chr20-62328503-A-G.
Other names: short protein forms E128G.
Identifiers: ClinVar variation 3611844 (VCV003611844.2).